The following is an entry in ClinVar:

NM_052947.4(ALPK2):c.2458G>T (p.Asp820Tyr)

Gene: ALPK2 (alpha kinase 2; minus strand). Cytogenetic location: 18q21.31.
Variant type: single nucleotide variant.
Coding change: c.2458G>T on transcript NM_052947.4 (MANE Select); coding-DNA position 2458, G replaced by T.
Protein change: p.Asp820Tyr; replaces aspartic acid 820 with tyrosine.
Molecular consequence: missense variant.
Genome position (GRCh38, 1-based): chr18:58,537,729, C>A on the plus strand (G>T on the coding strand, the complement: ALPK2 is on the minus strand). VCF-style: chr18-58537729-C-A. GRCh37 (hg19) VCF-style: chr18-56204961-C-A.
Other names: short protein forms D820Y.
Identifiers: ClinVar variation 3531863 (VCV003531863.1).
Genomic context (GRCh38, chr18:58,537,729, plus strand): 5'-TATCTACAGAGCAAATTTCTTGAGGCGAATATTTATCAACTGGTCTCCCAACAAGAGAAT[C>A]TATGGTATCAAAACACGTTCCTTGGTCACCAGCCTCAAAACACTCCATTGCACACACTGC-3'
Protein context (NP_443179.3, residues 810-830): GDQGTCFDTI[Asp820Tyr]SLVGRPVDKY

ClinVar aggregate classification (germline): Uncertain significance (1 of 4 stars; one submission).

Submission:

Ambry Genetics
Classification: Uncertain significance. Last evaluated: 2024-10-25. Review status: criteria provided, single submitter. Criteria: Ambry Variant Classification Scheme 2023. Collection method: clinical testing. Allele origin: germline.
Comment: The p.D820Y variant (also known as c.2458G>T), located in coding exon 4 of the ALPK2 gene, results from a G to T substitution at nucleotide position 2458. The aspartic acid at codon 820 is replaced by tyrosine, an amino acid with highly dissimilar properties. This amino acid position is conserved. In addition, this alteration is predicted to be tolerated by in silico analysis. Based on the available evidence, the clinical significance of this variant remains unclear.